The following is an entry in ClinVar:

NM_001232.4(CASQ2):c.177G>A (p.Pro59=)

Gene: CASQ2 (calsequestrin 2; minus strand). Cytogenetic location: 1p13.1.
Variant type: single nucleotide variant.
Coding change: c.177G>A on transcript NM_001232.4 (MANE Select); coding-DNA position 177, G replaced by A.
Protein change: p.Pro59=; no amino-acid change (proline 59 retained).
Molecular consequence: synonymous variant.
Genome position (GRCh38, 1-based): chr1:115,768,365, C>T on the plus strand (G>A on the coding strand, the complement: CASQ2 is on the minus strand). VCF-style: chr1-115768365-C-T. GRCh37 (hg19) VCF-style: chr1-116310986-C-T.
Identifiers: ClinVar variation 162822 (VCV000162822.19), dbSNP rs371260149, ClinGen allele CA175381.

ClinVar aggregate classification (germline): Likely benign. Review status: criteria provided, multiple submitters, no conflicts (2 of 4 stars). 5 submissions from 5 submitters: Likely benign (5). Last evaluated 2025-10-29.

Conditions:
Cardiovascular phenotype. Identifiers: MedGen CN230736.
Catecholaminergic polymorphic ventricular tachycardia 1. Also called: RYR2-Related Catecholaminergic Polymorphic Ventricular Tachycardia; VENTRICULAR TACHYCARDIA, STRESS-INDUCED POLYMORPHIC 1; VENTRICULAR TACHYCARDIA, CATECHOLAMINERGIC POLYMORPHIC, 1, WITH OR WITHOUT ATRIAL DYSFUNCTION AND/OR DILATED CARDIOMYOPATHY. Identifiers: Orphanet 3286, MedGen C1631597, MONDO:0011484, OMIM 604772.
Catecholaminergic polymorphic ventricular tachycardia 2. Also called: CASQ2-Related Catecholaminergic Polymorphic Ventricular Tachycardia; VENTRICULAR TACHYCARDIA, STRESS-INDUCED POLYMORPHIC 2. Identifiers: Orphanet 3286, MedGen C2677794, MONDO:0012762, OMIM 611938.

Allele frequency attached by ClinVar (database versions not stated): ESP Exome Variant Server 0.00008; TOPMed 0.00014; 1000 Genomes Project 30x 0.00016; gnomAD 0.00016.
gnomAD v4.1: 82 of 1,613,988 alleles (0.0051%); highest among the groups gnomAD compares: African/African-American, 0.032%; no homozygotes.

Submissions (5):

Labcorp Genetics (formerly Invitae), Labcorp
Classification: Likely benign for Catecholaminergic polymorphic ventricular tachycardia 1. Last evaluated: 2025-10-29. Review status: criteria provided, single submitter. Criteria: Invitae Variant Classification Sherloc (09022015). Collection method: clinical testing. Allele origin: germline.

Genome-Nilou Lab
Classification: Likely benign for Catecholaminergic polymorphic ventricular tachycardia 2. Last evaluated: 2023-04-11. Review status: criteria provided, single submitter. Criteria: ACMG Guidelines, 2015. Collection method: clinical testing. Allele origin: germline. Affected: no.

Ambry Genetics
Classification: Likely benign for Cardiovascular phenotype. Last evaluated: 2022-02-17. Review status: criteria provided, single submitter. Criteria: Ambry Variant Classification Scheme 2023. Collection method: clinical testing. Allele origin: germline.

Blueprint Genetics
Classification: Likely benign. Last evaluated: 2021-12-21. Review status: criteria provided, single submitter. Criteria: ACMG Guidelines, 2015. Collection method: clinical testing. Allele origin: germline.

Laboratory for Molecular Medicine, Mass General Brigham Personalized Medicine
Classification: Likely benign. Last evaluated: 2012-03-19. Review status: criteria provided, single submitter. Criteria: LMM Criteria. Collection method: clinical testing. Allele origin: germline. Observed: 1 variant allele.
Comment: Pro59Pro in exon 1 of CASQ2: This variant is not expected to have clinical signi ficance because it does not alter an amino acid residue and is not located withi n the splice consensus sequence. It has been identified in 1/3738 African Americ an chromosomes from a broad population by the NHLBI Exome Sequencing Project (rs371260149). Pro59Pro in exon 1 of CASQ2 (rs371 260149; allele frequency = 1/3738) **